The following is an entry in ClinVar:

ClinVar aggregate classification (germline): Uncertain significance. Review status: criteria provided, multiple submitters, no conflicts (2 of 4 stars). 2 submissions from 2 submitters: Uncertain significance (2). Last evaluated 2026-02-14.

Conditions:
RASopathy. Also called: rasopathies; Noonan spectrum disorder. Identifiers: Orphanet 536391, MedGen C5555857, MONDO:0021060.
Cardiovascular phenotype. Identifiers: MedGen CN230736.

Submissions (2):

Ambry Genetics
Classification: Uncertain significance for Cardiovascular phenotype. Last evaluated: 2026-02-14. Review status: criteria provided, single submitter. Criteria: Ambry Variant Classification Scheme 2023. Collection method: clinical testing. Allele origin: germline.
Comment: The p.L212W variant (also known as c.635T>G), located in coding exon 5 of the RAF1 gene, results from a T to G substitution at nucleotide position 635. The leucine at codon 212 is replaced by tryptophan, an amino acid with similar properties. This amino acid position is conserved. In addition, the in silico prediction for this alteration is inconclusive. Based on the available evidence, the clinical significance of this variant remains unclear.

Labcorp Genetics (formerly Invitae), Labcorp
Classification: Uncertain significance for RASopathy. Last evaluated: 2025-04-02. Review status: criteria provided, single submitter. Criteria: Invitae Variant Classification Sherloc (09022015). Collection method: clinical testing. Allele origin: germline.
Comment: This sequence change replaces leucine, which is neutral and non-polar, with tryptophan, which is neutral and slightly polar, at codon 212 of the RAF1 protein (p.Leu212Trp). This variant is not present in population databases (gnomAD no frequency). This variant has not been reported in the literature in individuals affected with RAF1-related conditions. Invitae Evidence Modeling incorporating data from in vitro experimental studies (internal data) did not meet the statistical confidence thresholds required to predict the impact of this variant on RAF1 function. In summary, the available evidence is currently insufficient to determine the role of this variant in disease. Therefore, it has been classified as a Variant of Uncertain Significance.

NM_002880.4(RAF1):c.635T>G (p.Leu212Trp)

Gene: RAF1 (Raf-1 proto-oncogene, serine/threonine kinase; minus strand). Cytogenetic location: 3p25.2.
Variant type: single nucleotide variant.
Coding change: c.635T>G on transcript NM_002880.4 (MANE Select); coding-DNA position 635, T replaced by G.
Protein change: p.Leu212Trp; replaces leucine 212 with tryptophan.
Molecular consequence: missense variant. On other transcripts: non-coding transcript variant (3), intron variant (2).
Genome position (GRCh38, 1-based): chr3:12,606,246, A>C on the plus strand (T>G on the coding strand, the complement: RAF1 is on the minus strand). VCF-style: chr3-12606246-A-C. GRCh37 (hg19) VCF-style: chr3-12647745-A-C.
Other names: c.635T>G, p.Leu212Trp (NM_001354689.3, NM_001354690.3); c.392T>G, p.Leu131Trp (NM_001354691.3, NM_001354692.3, NM_001354694.3); c.339-1957T>G (NM_001354695.3); c.582-1957T>G (NM_001354693.3); short protein forms L131W, L212W.
Identifiers: ClinVar variation 4798444 (VCV004798444.2).